The following is an entry in ClinVar:

NM_001040142.2(SCN2A):c.4176C>A (p.Ser1392Arg)

Gene: SCN2A (sodium voltage-gated channel alpha subunit 2; plus strand). Cytogenetic location: 2q24.3.
Variant type: single nucleotide variant.
Coding change: c.4176C>A on transcript NM_001040142.2 (MANE Select); coding-DNA position 4176, C replaced by A.
Protein change: p.Ser1392Arg; replaces serine 1392 with arginine.
Molecular consequence: missense variant.
Genome position (GRCh38, 1-based): chr2:165,374,888, C>A. VCF-style: chr2-165374888-C-A. GRCh37 (hg19) VCF-style: chr2-166231398-C-A.
Other names: c.4176C>A (NM_021007.2); c.4176C>A, p.Ser1392Arg (NM_001040143.2, NM_001371246.1, NM_001371247.1 and 1 more transcripts); short protein forms S1392R.
Identifiers: ClinVar variation 3761223 (VCV003761223.4).

ClinVar aggregate classification (germline): Uncertain significance. Review status: criteria provided, multiple submitters, no conflicts (2 of 4 stars). 2 submissions from 2 submitters: Uncertain significance (2). Last evaluated 2025-04-06.

Conditions:
Developmental and epileptic encephalopathy, 11 (DEE11). Also called: Early infantile epileptic encephalopathy 11. Identifiers: Orphanet 1934, MedGen C3150987, MONDO:0013388, OMIM 613721.
Seizures, benign familial infantile, 3 (BFIS3). Also called: CONVULSIONS, BENIGN FAMILIAL INFANTILE, 3; Familial neonatal seizures. Identifiers: Orphanet 140927, Orphanet 306, MedGen C1843140, MONDO:0011904, OMIM 607745.

gnomAD v4.1: 1 of 1,613,368 alleles (0.000062%); highest among the groups gnomAD compares: Admixed American, 0.0017%; no homozygotes.

Submissions (2):

GeneDx
Classification: Uncertain significance. Last evaluated: 2025-04-06. Review status: criteria provided, single submitter. Criteria: GeneDx Variant Classification Process June 2021. Collection method: clinical testing. Allele origin: germline.
Comment: Not observed at significant frequency in large population cohorts (gnomAD); In silico analysis indicates that this missense variant does not alter protein structure/function; This substitution is predicted to be within the extracellular loop between the S5 and S6 transmembrane segments of the third homologous domain; Has not been previously published as pathogenic or benign to our knowledge

Labcorp Genetics (formerly Invitae), Labcorp
Classification: Uncertain significance for Seizures, benign familial infantile, 3; Developmental and epileptic encephalopathy, 11. Last evaluated: 2024-02-08. Review status: criteria provided, single submitter. Criteria: Invitae Variant Classification Sherloc (09022015). Collection method: clinical testing. Allele origin: germline.
Comment: This sequence change replaces serine, which is neutral and polar, with arginine, which is basic and polar, at codon 1392 of the SCN2A protein (p.Ser1392Arg). This variant is not present in population databases (gnomAD no frequency). This variant has not been reported in the literature in individuals affected with SCN2A-related conditions. Advanced modeling of protein sequence and biophysical properties (such as structural, functional, and spatial information, amino acid conservation, physicochemical variation, residue mobility, and thermodynamic stability) performed at Invitae indicates that this missense variant is not expected to disrupt SCN2A protein function with a negative predictive value of 95%. In summary, the available evidence is currently insufficient to determine the role of this variant in disease. Therefore, it has been classified as a Variant of Uncertain Significance.